The following is an entry in ClinVar:

NM_058216.3(RAD51C):c.698del (p.His233fs)

Genes: RAD51C (RAD51 paralog C; plus strand), LOC129390903 (MPRA-validated peak2919 silencer; plus strand). Cytogenetic location: 17q22.
Variant type: Deletion.
Coding change: c.698del on transcript NM_058216.3 (MANE Select); coding-DNA position 698, one base deleted (A; older notation c.698delA).
Protein change: p.His233fs; shifts the reading frame from histidine 233.
Molecular consequence: frameshift variant. On other transcripts: non-coding transcript variant (1).
Genome position (GRCh38, 1-based): chr17:58,703,322, A deleted. VCF-style (leftmost placement, unchanged base first): chr17-58703321-CA-C. GRCh37 (hg19) VCF-style: chr17-56780682-CA-C.
Other names: c.*126delA (NM_058217.1); short protein forms H233fs.
Identifiers: ClinVar variation 3148640 (VCV003148640.1), dbSNP rs2509300511, ClinGen allele CA2825002568.

ClinVar aggregate classification (germline): Pathogenic (1 of 4 stars; one submission).

Conditions:
Breast-ovarian cancer, familial, susceptibility to, 3. Also called: RAD51C-Related Breast/Ovarian Cancer. Identifiers: Orphanet 145, MedGen C3150659, MONDO:0013253, OMIM 613399.

Submission:

Myriad Genetics, Inc.
Classification: Pathogenic for Breast-ovarian cancer, familial, susceptibility to, 3. Last evaluated: 2024-01-03. Review status: criteria provided, single submitter. Criteria: Myriad Autosomal Dominant, Autosomal Recessive and X-Linked Classification Criteria (2023). Collection method: clinical testing. Allele origin: unknown.
Comment: This variant is considered pathogenic. This variant creates a frameshift predicted to result in premature protein truncation.